The following is an entry in ClinVar:

NM_004369.4(COL6A3):c.489G>A (p.Ala163=)

Gene: COL6A3 (collagen type VI alpha 3 chain; minus strand). Cytogenetic location: 2q37.3.
Variant type: single nucleotide variant.
Coding change: c.489G>A on transcript NM_004369.4 (MANE Select); coding-DNA position 489, G replaced by A.
Protein change: p.Ala163=; no amino-acid change (alanine 163 retained).
Molecular consequence: synonymous variant. On other transcripts: intron variant (4).
Genome position (GRCh38, 1-based): chr2:237,394,807, C>T on the plus strand (G>A on the coding strand, the complement: COL6A3 is on the minus strand). VCF-style: chr2-237394807-C-T. GRCh37 (hg19) VCF-style: chr2-238303450-C-T.
Other names: p.Ala163=; c.91+1920G>A (NM_057166.5, NM_057167.4, NM_057164.5 and 1 more transcripts).
Identifiers: ClinVar variation 259302 (VCV000259302.65), dbSNP rs148970984, ClinGen allele CA2189852.

ClinVar aggregate classification (germline): Conflicting classifications of pathogenicity. Review status: criteria provided, conflicting classifications (1 of 4 stars). 10 submissions from 10 submitters: Uncertain significance (1); Benign (1); Likely benign (6). 2 of the submissions do not count toward it. Last evaluated 2026-09-01.

Conditions:
Collagen 6-related myopathy. Identifiers: MedGen CN117976, MONDO:0100225.
Bethlem myopathy 1A. Also called: Bethlem Muscular Dystrophy; MYOPATHY, BENIGN CONGENITAL, WITH CONTRACTURES; Bethlem myopathy 1. Identifiers: Orphanet 610, MedGen CN029274, MONDO:0024530, OMIM 158810.

Allele frequency attached by ClinVar (database versions not stated): 1000 Genomes Project 30x 0.00094; 1000 Genomes Project 0.00100; gnomAD 0.00120 and 0.00125; TOPMed 0.00121; gnomAD exomes 0.00126 and 0.00167; ExAC 0.00131; ESP Exome Variant Server 0.00161.

Submissions (16):

CeGaT Center for Human Genetics Tuebingen
Classification: Likely benign. Last evaluated: 2026-09-01. Review status: criteria provided, single submitter. Criteria: CeGaT Center For Human Genetics Tuebingen Variant Classification Criteria Version 2. Collection method: clinical testing. Allele origin: germline. Affected: yes. Observed: 8 variant alleles.
Comment: COL6A3: BP4, BP7

Labcorp Genetics (formerly Invitae), Labcorp
Classification: Likely benign for Bethlem myopathy 1A. Last evaluated: 2026-01-27. Review status: criteria provided, single submitter. Criteria: Invitae Variant Classification Sherloc (09022015). Collection method: clinical testing. Allele origin: germline.

Blueprint Genetics
Classification: Likely benign. Last evaluated: 2024-11-11. Review status: criteria provided, single submitter. Criteria: ACMG Guidelines, 2015. Collection method: clinical testing. Allele origin: germline.

Mayo Clinic Laboratories, Mayo Clinic
Classification: Likely benign. Last evaluated: 2023-07-06. Review status: criteria provided, single submitter. Criteria: ACMG Guidelines, 2015. Collection method: clinical testing. Allele origin: germline. Observed: 5 variant alleles.
Comment: BS1, BP4, BP7

GeneDx
Classification: Likely benign. Last evaluated: 2020-11-24. Review status: criteria provided, single submitter. Criteria: GeneDx Variant Classification Process June 2021. Collection method: clinical testing. Allele origin: germline. Affected: yes.
Comment: This variant is associated with the following publications: (PMID: 30564623)

Illumina Laboratory Services, Illumina
Classification: Benign for Collagen VI-related myopathy. Last evaluated: 2018-01-13. Review status: criteria provided, single submitter. Criteria: ICSL Variant Classification Criteria 13 December 2019. Collection method: clinical testing. Allele origin: germline.
Comment: This variant was observed in the ICSL laboratory as part of a predisposition screen in an ostensibly healthy population. It had not been previously curated by ICSL or reported in the Human Gene Mutation Database (HGMD: prior to June 1st, 2018), and was therefore a candidate for classification through an automated scoring system. Utilizing variant allele frequency, disease prevalence and penetrance estimates, and inheritance mode, an automated score was calculated to assess if this variant is too frequent to cause the disease. Based on the score and internal cut-off values, a variant classified as benign is not then subjected to further curation. The score for this variant resulted in a classification of benign for this disease.

Eurofins Ntd Llc (ga)
Classification: Uncertain significance. Last evaluated: 2017-06-27. Review status: criteria provided, single submitter. Criteria: EGL Classification Definitions 2015. Collection method: clinical testing. Allele origin: germline. Observed: 18 variant alleles, 18 heterozygotes.

PreventionGenetics, part of Exact Sciences
Classification: Likely benign. Review status: criteria provided, single submitter. Criteria: ACMG Guidelines, 2015. Collection method: clinical testing. Allele origin: germline.

Clinical Genetics DNA and cytogenetics Diagnostics Lab, Erasmus MC, Erasmus Medical Center
Classification: Likely benign. Review status: no assertion criteria provided. Collection method: clinical testing. Allele origin: germline. Affected: yes. Study: VKGL Data-share Consensus. Not counted in ClinVar's aggregate classification.

Dr. Peter K. Rogan Lab, Western University
No classification provided (evidence only). Condition: Malignant tumor of urinary bladder. Review status: no classification provided. Collection method: in vitro. Allele origin: not applicable. Functional consequence: skipped exon. Not counted in ClinVar's aggregate classification.

Dr. Peter K. Rogan Lab, Western University
No classification provided (evidence only). Condition: Clear cell carcinoma of kidney. Review status: no classification provided. Collection method: in vitro. Allele origin: not applicable. Functional consequence: skipped exon. Not counted in ClinVar's aggregate classification.

Dr. Peter K. Rogan Lab, Western University
No classification provided (evidence only). Condition: Uterine corpus endometrial carcinoma. Review status: no classification provided. Collection method: in vitro. Allele origin: not applicable. Functional consequence: skipped exon. Not counted in ClinVar's aggregate classification.

Dr. Peter K. Rogan Lab, Western University
No classification provided (evidence only). Condition: Cervical cancer. Review status: no classification provided. Collection method: in vitro. Allele origin: not applicable. Functional consequence: retained intron. Not counted in ClinVar's aggregate classification.

Dr. Peter K. Rogan Lab, Western University
No classification provided (evidence only). Condition: Ovarian serous cystadenocarcinoma. Review status: no classification provided. Collection method: in vitro. Allele origin: not applicable. Functional consequence: retained intron. Not counted in ClinVar's aggregate classification.

Dr. Peter K. Rogan Lab, Western University
No classification provided (evidence only). Condition: Ovarian serous cystadenocarcinoma. Review status: no classification provided. Collection method: in vitro. Allele origin: not applicable. Functional consequence: skipped exon. Not counted in ClinVar's aggregate classification.

Genome Diagnostics Laboratory, University Medical Center Utrecht
Classification: Likely benign. Review status: no assertion criteria provided. Collection method: clinical testing. Allele origin: germline. Affected: yes. Study: VKGL Data-share Consensus. Not counted in ClinVar's aggregate classification.